The following is an entry in ClinVar:

NM_001375405.1(CEP120):c.1741G>C (p.Val581Leu)

Gene: CEP120 (centrosomal protein 120; minus strand). Cytogenetic location: 5q23.2.
Variant type: single nucleotide variant.
Coding change: c.1741G>C on transcript NM_001375405.1 (MANE Select); coding-DNA position 1741, G replaced by C.
Protein change: p.Val581Leu; replaces valine 581 with leucine.
Molecular consequence: missense variant. On other transcripts: non-coding transcript variant (1).
Genome position (GRCh38, 1-based): chr5:123,384,973, C>G on the plus strand (G>C on the coding strand, the complement: CEP120 is on the minus strand). VCF-style: chr5-123384973-C-G. GRCh37 (hg19) VCF-style: chr5-122720667-C-G.
Other names: c.1663G>C, p.Val555Leu (NM_001166226.2); c.1606G>C, p.Val536Leu (NM_001375406.1); c.1741G>C, p.Val581Leu (NM_001375407.1, NM_153223.4); c.1168G>C, p.Val390Leu (NM_001375408.1, NM_001375409.1); short protein forms V581L, V390L, V536L, V555L.
Identifiers: ClinVar variation 1896146 (VCV001896146.5), dbSNP rs776183973, ClinGen allele CA3386888.
Genomic context (GRCh38, chr5:123,384,973, plus strand): 5'-AAAAGAAAAGCAAATACCAATTCTGTGAAATGCATTACCCTTGTGCTGCTATAACAGGCA[C>G]ACTTTCACTGTAAGTTTGACGCCAACACTGTTCACCATTAGAACCTAAAAAACGAGTTTT-3'
Protein context (NP_001362334.1, residues 571-591): QCWRQTYSES[Val581Leu]PVIAAQGSNN

ClinVar aggregate classification (germline): Uncertain significance (1 of 4 stars; one submission).

Conditions:
Short-rib thoracic dysplasia 13 with or without polydactyly (SRTD13). Identifiers: Orphanet 474, MedGen C4225378, MONDO:0014577, OMIM 616300.

Allele frequency attached by ClinVar (database versions not stated): ExAC 0.00001; gnomAD 0.00001; TOPMed 0.00001.
gnomAD v4.1: 5 of 1,610,906 alleles (0.00031%); highest among the groups gnomAD compares: Admixed American, 0.0084%; no homozygotes.

Submission:

Labcorp Genetics (formerly Invitae), Labcorp
Classification: Uncertain significance for Short-rib thoracic dysplasia 13 with or without polydactyly. Last evaluated: 2022-01-19. Review status: criteria provided, single submitter. Criteria: Invitae Variant Classification Sherloc (09022015). Collection method: clinical testing. Allele origin: germline.
Comment: This sequence change replaces valine, which is neutral and non-polar, with leucine, which is neutral and non-polar, at codon 581 of the CEP120 protein (p.Val581Leu). This variant is present in population databases (rs776183973, gnomAD 0.009%). This variant has not been reported in the literature in individuals affected with CEP120-related conditions. Algorithms developed to predict the effect of missense changes on protein structure and function (SIFT, PolyPhen-2, Align-GVGD) all suggest that this variant is likely to be tolerated. In summary, the available evidence is currently insufficient to determine the role of this variant in disease. Therefore, it has been classified as a Variant of Uncertain Significance.